The following is an entry in ClinVar:

ClinVar aggregate classification (germline): Uncertain significance (1 of 4 stars; one submission).

Allele frequency attached by ClinVar (database versions not stated): gnomAD exomes 0.00001; TOPMed 0.00001; gnomAD 0.00002; ExAC 0.00004.

Submission:

Labcorp Genetics (formerly Invitae), Labcorp
Classification: Uncertain significance. Last evaluated: 2024-10-15. Review status: criteria provided, single submitter. Criteria: Invitae Variant Classification Sherloc (09022015). Collection method: clinical testing. Allele origin: germline.
Comment: This sequence change replaces methionine, which is neutral and non-polar, with threonine, which is neutral and polar, at codon 1117 of the CACNA1B protein (p.Met1117Thr). This variant is present in population databases (rs756798392, gnomAD 0.008%). This variant has not been reported in the literature in individuals affected with CACNA1B-related conditions. ClinVar contains an entry for this variant (Variation ID: 2101931). Invitae Evidence Modeling of protein sequence and biophysical properties (such as structural, functional, and spatial information, amino acid conservation, physicochemical variation, residue mobility, and thermodynamic stability) indicates that this missense variant is not expected to disrupt CACNA1B protein function with a negative predictive value of 80%. In summary, the available evidence is currently insufficient to determine the role of this variant in disease. Therefore, it has been classified as a Variant of Uncertain Significance.

NM_000718.4(CACNA1B):c.3350T>C (p.Met1117Thr)

Genes: CACNA1B (calcium voltage-gated channel subunit alpha1 B; plus strand), LOC101928786 (uncharacterized LOC101928786; minus strand). Cytogenetic location: 9q34.3.
Variant type: single nucleotide variant.
Coding change: c.3350T>C on transcript NM_000718.4 (MANE Select); coding-DNA position 3350, T replaced by C.
Protein change: p.Met1117Thr; replaces methionine 1117 with threonine.
Molecular consequence: missense variant.
Genome position (GRCh38, 1-based): chr9:138,043,837, T>C. VCF-style: chr9-138043837-T-C. GRCh37 (hg19) VCF-style: chr9-140938289-T-C.
Other names: c.3350T>C, p.Met1117Thr (NM_001243812.2); short protein forms M1117T.
Identifiers: ClinVar variation 2101931 (VCV002101931.4), dbSNP rs756798392, ClinGen allele CA5376631.